The following is an entry in ClinVar:

ClinVar aggregate classification (germline): Uncertain significance (1 of 4 stars; one submission).

Conditions:
Bardet-Biedl syndrome (BBS). Identifiers: Orphanet 110, MedGen C0752166, MONDO:0015229.

Allele frequency attached by ClinVar (database versions not stated): gnomAD exomes below 0.00001.
gnomAD v4.1: 1 of 1,613,900 alleles (0.000062%); highest among the groups gnomAD compares: East Asian, 0.0022%; no homozygotes.

Submission:

Labcorp Genetics (formerly Invitae), Labcorp
Classification: Uncertain significance for Bardet-Biedl syndrome. Last evaluated: 2020-10-07. Review status: criteria provided, single submitter. Criteria: Invitae Variant Classification Sherloc (09022015). Collection method: clinical testing. Allele origin: germline.
Comment: This sequence change replaces lysine with arginine at codon 255 of the BBS5 protein (p.Lys255Arg). The lysine residue is highly conserved and there is a small physicochemical difference between lysine and arginine. This variant is not present in population databases (ExAC no frequency). In summary, the available evidence is currently insufficient to determine the role of this variant in disease. Therefore, it has been classified as a Variant of Uncertain Significance. Algorithms developed to predict the effect of sequence changes on RNA splicing suggest that this variant may create or strengthen a splice site, but this prediction has not been confirmed by published transcriptional studies. Algorithms developed to predict the effect of missense changes on protein structure and function (SIFT, PolyPhen-2, Align-GVGD) all suggest that this variant is likely to be tolerated, but these predictions have not been confirmed by published functional studies and their clinical significance is uncertain. This variant has not been reported in the literature in individuals with BBS5-related conditions.

NM_152384.3(BBS5):c.764A>G (p.Lys255Arg)

Gene: BBS5 (Bardet-Biedl syndrome 5; plus strand). Cytogenetic location: 2q31.1.
Variant type: single nucleotide variant.
Coding change: c.764A>G on transcript NM_152384.3 (MANE Select); coding-DNA position 764, A replaced by G.
Protein change: p.Lys255Arg; replaces lysine 255 with arginine.
Molecular consequence: missense variant.
Genome position (GRCh38, 1-based): chr2:169,499,568, A>G. VCF-style: chr2-169499568-A-G. GRCh37 (hg19) VCF-style: chr2-170356078-A-G.
Other names: short protein forms K255R.
Identifiers: ClinVar variation 1058683 (VCV001058683.9), dbSNP rs2105301646, ClinGen allele CA349167347.
Genomic context (GRCh38, chr2:169,499,568, plus strand): 5'-TTAAAATAGATCCTGTGGAAAAACTACAAGAATCAGTTAAGGAAATCAATTCACTTCACA[A>G]AGTCTATTCTGCCAGTCCCATATTTGGAGTTGATTATGAGATGGAAGAAAAGGTAATTTG-3'
Protein context (NP_689597.1, residues 245-265): ESVKEINSLH[Lys255Arg]VYSASPIFGV